The following is an entry in ClinVar:

ClinVar aggregate classification (germline): Uncertain significance (1 of 4 stars; one submission).

Allele frequency attached by ClinVar (database versions not stated): gnomAD 0.00001; gnomAD exomes below 0.00001; TOPMed below 0.00001.
gnomAD v4.1: 6 of 1,612,760 alleles (0.00037%); highest among the groups gnomAD compares: South Asian, 0.0011%; no homozygotes.

Submission:

Labcorp Genetics (formerly Invitae), Labcorp
Classification: Uncertain significance. Last evaluated: 2025-12-19. Review status: criteria provided, single submitter. Criteria: Invitae Variant Classification Sherloc (09022015). Collection method: clinical testing. Allele origin: germline.
Comment: This sequence change affects codon 591 of the COL11A2 mRNA. It is a 'silent' change, meaning that it does not change the encoded amino acid sequence of the COL11A2 protein. This variant also falls at the last nucleotide of exon 19, which is part of the consensus splice site for this exon. This variant is not present in population databases (gnomAD no frequency). This variant has not been reported in the literature in individuals affected with COL11A2-related conditions. ClinVar contains an entry for this variant (Variation ID: 1434194). Variants that disrupt the consensus splice site are a relatively common cause of aberrant splicing (PMID: 17576681, 9536098). Algorithms developed to predict the effect of sequence changes on RNA splicing suggest that this variant may disrupt the consensus splice site. In summary, the available evidence is currently insufficient to determine the role of this variant in disease. Therefore, it has been classified as a Variant of Uncertain Significance.

Literature cited by the submitters: PubMed 17576681; PubMed 9536098.

NM_080680.3(COL11A2):c.1773G>A (p.Arg591=)

Gene: COL11A2 (collagen type XI alpha 2 chain; minus strand). Cytogenetic location: 6p21.32.
Variant type: single nucleotide variant.
Coding change: c.1773G>A on transcript NM_080680.3 (MANE Select); coding-DNA position 1773, G replaced by A.
Protein change: p.Arg591=; no amino-acid change (arginine 591 retained).
Molecular consequence: synonymous variant.
Genome position (GRCh38, 1-based): chr6:33,178,435, C>T on the plus strand (G>A on the coding strand, the complement: COL11A2 is on the minus strand). VCF-style: chr6-33178435-C-T. GRCh37 (hg19) VCF-style: chr6-33146212-C-T.
Other names: c.1452G>A, p.Arg484= (NM_080679.3); c.1515G>A, p.Arg505= (NM_080681.3).
Identifiers: ClinVar variation 1434194 (VCV001434194.5), dbSNP rs1771231847, ClinGen allele CA449885451.